The following is an entry in ClinVar:

NM_005751.5(AKAP9):c.4565G>A (p.Gly1522Glu)

Gene: AKAP9 (A-kinase anchoring protein 9; plus strand). Cytogenetic location: 7q21.2.
Variant type: single nucleotide variant.
Coding change: c.4565G>A on transcript NM_005751.5 (MANE Select); coding-DNA position 4565, G replaced by A.
Protein change: p.Gly1522Glu; replaces glycine 1522 with glutamic acid.
Molecular consequence: missense variant.
Genome position (GRCh38, 1-based): chr7:92,038,645, G>A. VCF-style: chr7-92038645-G-A. GRCh37 (hg19) VCF-style: chr7-91667959-G-A.
Other names: c.4565G>A, p.Gly1522Glu (NM_147185.3); short protein forms G1522E.
Identifiers: ClinVar variation 1741512 (VCV001741512.4), dbSNP rs1348186476, ClinGen allele CA368129053.

ClinVar aggregate classification (germline): Uncertain significance. Review status: criteria provided, multiple submitters, no conflicts (2 of 4 stars). 2 submissions from 2 submitters: Uncertain significance (2). Last evaluated 2024-10-24.

Conditions:
Cardiovascular phenotype. Identifiers: MedGen CN230736.
Long QT syndrome (LQTS). Identifiers: MedGen C0023976, MeSH D008133, MONDO:0002442. Disease mechanism: loss of function. Inheritance: Various modes of inheritance.

Allele frequency attached by ClinVar (database versions not stated): gnomAD exomes below 0.00001.
gnomAD v4.1: 1 of 1,611,794 alleles (0.000062%); highest among the groups gnomAD compares: Non-Finnish European, 0.000085%; no homozygotes.

Submissions (2):

Labcorp Genetics (formerly Invitae), Labcorp
Classification: Uncertain significance for Long QT syndrome. Last evaluated: 2024-10-24. Review status: criteria provided, single submitter. Criteria: Invitae Variant Classification Sherloc (09022015). Collection method: clinical testing. Allele origin: germline.
Comment: This sequence change replaces glycine, which is neutral and non-polar, with glutamic acid, which is acidic and polar, at codon 1522 of the AKAP9 protein (p.Gly1522Glu). This variant is not present in population databases (gnomAD no frequency). This variant has not been reported in the literature in individuals affected with AKAP9-related conditions. ClinVar contains an entry for this variant (Variation ID: 1741512). An algorithm developed to predict the effect of missense changes on protein structure and function outputs the following: PolyPhen-2: "Benign". The glutamic acid amino acid residue is found in multiple mammalian species, which suggests that this missense change does not adversely affect protein function. In summary, the available evidence is currently insufficient to determine the role of this variant in disease. Therefore, it has been classified as a Variant of Uncertain Significance.

Ambry Genetics
Classification: Uncertain significance for Cardiovascular phenotype. Last evaluated: 2020-03-28. Review status: criteria provided, single submitter. Criteria: Ambry Variant Classification Scheme 2023. Collection method: clinical testing. Allele origin: germline.
Comment: The p.G1522E variant (also known as c.4565G>A), located in coding exon 17 of the AKAP9 gene, results from a G to A substitution at nucleotide position 4565. The glycine at codon 1522 is replaced by glutamic acid, an amino acid with similar properties. This amino acid position is not well conserved in available vertebrate species, and glutamic acid is the reference amino acid in other vertebrate species. In addition, this alteration is predicted to be tolerated by in silico analysis. Since supporting evidence is limited at this time, the clinical significance of this alteration remains unclear.